The following is an entry in ClinVar:

NM_000440.3(PDE6A):c.1867G>T (p.Gly623Trp)

Gene: PDE6A (phosphodiesterase 6A; minus strand). Cytogenetic location: 5q32.
Variant type: single nucleotide variant.
Coding change: c.1867G>T on transcript NM_000440.3 (MANE Select); coding-DNA position 1867, G replaced by T.
Protein change: p.Gly623Trp; replaces glycine 623 with tryptophan.
Molecular consequence: missense variant.
Genome position (GRCh38, 1-based): chr5:149,884,839, C>A on the plus strand (G>T on the coding strand, the complement: PDE6A is on the minus strand). VCF-style: chr5-149884839-C-A. GRCh37 (hg19) VCF-style: chr5-149264402-C-A.
Other names: c.1867G>T (NM_000440.2); c.1624G>T, p.Gly542Trp (NM_001410788.1); short protein forms G623W, G542W.
Identifiers: ClinVar variation 2125108 (VCV002125108.6), dbSNP rs2480515367, ClinGen allele CA361693561.

ClinVar aggregate classification (germline): Uncertain significance. Review status: criteria provided, multiple submitters, no conflicts (2 of 4 stars). 2 submissions from 2 submitters: Uncertain significance (2). Last evaluated 2024-10-26.

Conditions:
Inborn genetic diseases. Identifiers: MedGen C0950123, MeSH D030342.

Submissions (2):

Labcorp Genetics (formerly Invitae), Labcorp
Classification: Uncertain significance. Last evaluated: 2024-10-26. Review status: criteria provided, single submitter. Criteria: Invitae Variant Classification Sherloc (09022015). Collection method: clinical testing. Allele origin: germline.
Comment: This sequence change replaces glycine, which is neutral and non-polar, with tryptophan, which is neutral and slightly polar, at codon 623 of the PDE6A protein (p.Gly623Trp). This variant is not present in population databases (gnomAD no frequency). This variant has not been reported in the literature in individuals affected with PDE6A-related conditions. ClinVar contains an entry for this variant (Variation ID: 2125108). Invitae Evidence Modeling of protein sequence and biophysical properties (such as structural, functional, and spatial information, amino acid conservation, physicochemical variation, residue mobility, and thermodynamic stability) has been performed for this missense variant. However, the output from this modeling did not meet the statistical confidence thresholds required to predict the impact of this variant on PDE6A protein function. In summary, the available evidence is currently insufficient to determine the role of this variant in disease. Therefore, it has been classified as a Variant of Uncertain Significance.

Ambry Genetics
Classification: Uncertain significance for Inborn genetic diseases. Last evaluated: 2023-02-16. Review status: criteria provided, single submitter. Criteria: Ambry Variant Classification Scheme 2023. Collection method: clinical testing. Allele origin: germline.